The following is an entry in ClinVar:

ClinVar aggregate classification (germline): Uncertain significance (1 of 4 stars; one submission).

Allele frequency attached by ClinVar (database versions not stated): TOPMed 0.00001; gnomAD 0.00001.
gnomAD v4.1: 2 of 1,610,878 alleles (0.00012%); highest among the groups gnomAD compares: Admixed American, 0.0017%; no homozygotes.

Submission:

Labcorp Genetics (formerly Invitae), Labcorp
Classification: Uncertain significance. Last evaluated: 2025-12-22. Review status: criteria provided, single submitter. Criteria: Invitae Variant Classification Sherloc (09022015). Collection method: clinical testing. Allele origin: germline.
Comment: This sequence change replaces serine, which is neutral and polar, with leucine, which is neutral and non-polar, at codon 24 of the MYO5B protein (p.Ser24Leu). This variant is present in population databases (no rsID available, gnomAD 0.1%). This variant has not been reported in the literature in individuals affected with MYO5B-related conditions. ClinVar contains an entry for this variant (Variation ID: 1433332). Invitae Evidence Modeling of protein sequence and biophysical properties (such as structural, functional, and spatial information, amino acid conservation, physicochemical variation, residue mobility, and thermodynamic stability) indicates that this missense variant is not expected to disrupt MYO5B protein function with a negative predictive value of 80%. In summary, the available evidence is currently insufficient to determine the role of this variant in disease. Therefore, it has been classified as a Variant of Uncertain Significance.

NM_001080467.3(MYO5B):c.71C>T (p.Ser24Leu)

Gene: MYO5B (myosin VB; minus strand). Cytogenetic location: 18q21.1.
Variant type: single nucleotide variant.
Coding change: c.71C>T on transcript NM_001080467.3 (MANE Select); coding-DNA position 71, C replaced by T.
Protein change: p.Ser24Leu; replaces serine 24 with leucine.
Molecular consequence: missense variant.
Genome position (GRCh38, 1-based): chr18:50,055,335, G>A on the plus strand (C>T on the coding strand, the complement: MYO5B is on the minus strand). VCF-style: chr18-50055335-G-A. GRCh37 (hg19) VCF-style: chr18-47581705-G-A.
Other names: short protein forms S24L.
Identifiers: ClinVar variation 1433332 (VCV001433332.7), dbSNP rs1407069619, ClinGen allele CA402510772.
Genomic context (GRCh38, chr18:50,055,335, plus strand): 5'-TCCTCCAGTCTGAGCTGTAGGCTCTTGTCTCCTTCTTTGTAGTCCTTGGTTAACTCAGCT[G>A]AGCGCCATACCTCATCAGGGTCAGGGATCCAGACCCTTGTGCACTGAAAGATTAAAACAG-3'
Protein context (NP_001073936.1, residues 14-34): WIPDPDEVWR[Ser24Leu]AELTKDYKEG